The following is an entry in ClinVar:

ClinVar aggregate classification (germline): Uncertain significance (1 of 4 stars; one submission).

Allele frequency attached by ClinVar (database versions not stated): gnomAD exomes below 0.00001.
gnomAD v4.1: 1 of 1,613,926 alleles (0.000062%); highest among the groups gnomAD compares: Admixed American, 0.0017%; no homozygotes.

Submission:

Labcorp Genetics (formerly Invitae), Labcorp
Classification: Uncertain significance. Last evaluated: 2022-07-25. Review status: criteria provided, single submitter. Criteria: Invitae Variant Classification Sherloc (09022015). Collection method: clinical testing. Allele origin: germline.
Comment: This sequence change replaces glutamic acid, which is acidic and polar, with lysine, which is basic and polar, at codon 521 of the CYFIP2 protein (p.Glu521Lys). In summary, the available evidence is currently insufficient to determine the role of this variant in disease. Therefore, it has been classified as a Variant of Uncertain Significance. Algorithms developed to predict the effect of missense changes on protein structure and function are either unavailable or do not agree on the potential impact of this missense change (SIFT: "Deleterious"; PolyPhen-2: "Not Available"; Align-GVGD: "Class C0"). ClinVar contains an entry for this variant (Variation ID: 1517358). This missense change has been observed in individual(s) with clinical features of epileptic encephalopathy with cerebellar atrophy (Invitae). This variant is not present in population databases (gnomAD no frequency).

NM_001037333.3(CYFIP2):c.1561G>A (p.Glu521Lys)

Gene: CYFIP2 (cytoplasmic FMR1 interacting protein 2; plus strand). Cytogenetic location: 5q33.3.
Variant type: single nucleotide variant.
Coding change: c.1561G>A on transcript NM_001037333.3 (MANE Select); coding-DNA position 1561, G replaced by A.
Protein change: p.Glu521Lys; replaces glutamic acid 521 with lysine.
Molecular consequence: missense variant.
Genome position (GRCh38, 1-based): chr5:157,320,692, G>A. VCF-style: chr5-157320692-G-A. GRCh37 (hg19) VCF-style: chr5-156747700-G-A.
Other names: c.1483G>A, p.Glu495Lys (NM_001291721.2); c.1561G>A, p.Glu521Lys (NM_001291722.2, NM_014376.4); short protein forms E495K, E521K.
Identifiers: ClinVar variation 1517358 (VCV001517358.6), dbSNP rs2113107133, ClinGen allele CA361969246.